The following is an entry in ClinVar:

ClinVar aggregate classification (germline): Pathogenic (1 of 4 stars; one submission).

Conditions:
Primary ciliary dyskinesia. Also called: Ciliary dyskinesia. Identifiers: Orphanet 244, MedGen C0008780, MONDO:0016575, HP:0012265.

gnomAD v4.1: 3 of 1,613,782 alleles (0.00019%); highest among the groups gnomAD compares: Non-Finnish European, 0.00025%; no homozygotes.

Submission:

Natera, Inc.
Classification: Pathogenic for Primary ciliary dyskinesia. Last evaluated: 2024-12-27. Review status: criteria provided, single submitter. Criteria: Natera Variant Classification Schema (03/2026). Collection method: clinical testing. Allele origin: germline.
Comment: The c.8818A>T variant in DNAH5 is a nonsense variant predicted to introduce a stop codon at amino acid 2940. This variant is expected to result in nonsense mediated decay, truncation, or a dysfunctional protein product. This variant is rare in the general population with a frequency below the threshold expected for the associated phenotype(s). This variant has been observed in one or more individuals affected with the associated recessive disease, as either homozygous or compound heterozygous with a second variant (PMID: 32111882). Given the available evidence, this variant is classified as Pathogenic.

Literature cited by the submitters: PubMed 32111882.

NM_001369.3(DNAH5):c.8818A>T (p.Lys2940Ter)

Gene: DNAH5 (dynein axonemal heavy chain 5; minus strand). Cytogenetic location: 5p15.2.
Variant type: single nucleotide variant.
Coding change: c.8818A>T on transcript NM_001369.3 (MANE Select); coding-DNA position 8818, A replaced by T.
Protein change: p.Lys2940Ter; replaces lysine 2940 with a stop codon.
Molecular consequence: nonsense.
Genome position (GRCh38, 1-based): chr5:13,786,181, T>A on the plus strand (A>T on the coding strand, the complement: DNAH5 is on the minus strand). VCF-style: chr5-13786181-T-A. GRCh37 (hg19) VCF-style: chr5-13786290-T-A.
Other names: short protein forms K2940*.
Identifiers: ClinVar variation 4814918 (VCV004814918.1).